The following is an entry in ClinVar:

NM_000287.4(PEX6):c.2663G>A (p.Arg888His)

Gene: PEX6 (peroxisomal biogenesis factor 6; minus strand). Cytogenetic location: 6p21.1.
Variant type: single nucleotide variant.
Coding change: c.2663G>A on transcript NM_000287.4 (MANE Select); coding-DNA position 2663, G replaced by A.
Protein change: p.Arg888His; replaces arginine 888 with histidine.
Molecular consequence: missense variant. On other transcripts: non-coding transcript variant (1).
Genome position (GRCh38, 1-based): chr6:42,965,078, C>T on the plus strand (G>A on the coding strand, the complement: PEX6 is on the minus strand). VCF-style: chr6-42965078-C-T. GRCh37 (hg19) VCF-style: chr6-42932816-C-T.
Other names: c.2399G>A, p.Arg800His (NM_001316313.2); short protein forms R800H, R888H.
Identifiers: ClinVar variation 1683990 (VCV001683990.11), dbSNP rs267608247, ClinGen allele CA364150543.

ClinVar aggregate classification (germline): Conflicting classifications of pathogenicity. Review status: criteria provided, conflicting classifications (1 of 4 stars). 9 submissions from 9 submitters: Likely pathogenic (5); Uncertain significance (2). 2 of the submissions do not count toward it. Last evaluated 2025-12-26.

Conditions:
Zellweger spectrum disorders (ZS). Also called: Zellweger syndrome; Zellweger Spectrum Disorder (ZSD); Zellweger Spectrum Disorder; Zellweger Spectrum. Identifiers: Orphanet 912, MedGen C0043459, MONDO:0019609.
PEX6-related disorder. Also called: PEX6-related disorders; PEX6-related condition.
Peroxisome biogenesis disorder. Identifiers: Orphanet 79189, MedGen C1832200, MONDO:0019234. Disease mechanism: loss of function.
Peroxisome biogenesis disorder 4A (Zellweger) (PBD4A). Also called: Zellweger syndrome spectrum (PEX6-related). Identifiers: Orphanet 912, MedGen C3553936, MONDO:0013930, OMIM 614862. Disease mechanism: loss of function.
Heimler syndrome 2 (HMLR2). Also called: PEROXISOME BIOGENESIS DISORDER 4C. Identifiers: Orphanet 3220, MedGen C4225267, OMIM 616617, MONDO:0014709.
Peroxisome biogenesis disorder 4B (PBD4B). Also called: SPINOCEREBELLAR ATAXIA WITH BLINDNESS AND DEAFNESS 1. Identifiers: Orphanet 44, Orphanet 95433, MedGen C3553937, MONDO:0013931, OMIM 614863.

Allele frequency attached by ClinVar (database versions not stated): gnomAD exomes 0.00001; gnomAD 0.00004; TOPMed 0.00003.
gnomAD v4.1: 14 of 1,613,968 alleles (0.00087%); highest among the groups gnomAD compares: African/African-American, 0.008%; no homozygotes.

Submissions (9):

Natera, Inc.
Classification: Likely pathogenic for Zellweger syndrome. Last evaluated: 2025-12-26. Review status: criteria provided, single submitter. Criteria: Natera Variant Classification Schema (03/2026). Collection method: clinical testing. Allele origin: germline.
Comment: The c.2663G>A variant in PEX6 is a missense variant predicted to cause substitution of arginine to histidine at amino acid 888. This variant is rare in the general population with a frequency below the threshold expected for the associated phenotype(s). This variant has been observed in one or more individuals affected with the associated recessive disease, as either homozygous or compound heterozygous with a second variant (PMID: 36649687). Additionally, this variant has been observed to segregate in affected family members (PMID: 36649687). Computational prediction algorithms indicate this variant is likely to affect gene or protein function. Given the available evidence, this variant is classified as Likely Pathogenic.

Myriad Genetics, Inc.
Classification: Uncertain significance for Peroxisome biogenesis disorder. Last evaluated: 2025-08-21. Review status: criteria provided, single submitter. Criteria: Myriad Autosomal Dominant, Autosomal Recessive and X-Linked Classification Criteria (2023). Collection method: clinical testing. Allele origin: unknown.
Comment: NM_000287.3(PEX6):c.2663G>A(R888H) is a missense variant classified as a variant of uncertain significance in the context of peroxisome biogenesis disorder type 4. R888H has been observed in cases with relevant disease (PMID: 36649687, 29419819). Relevant functional assessments of this variant are not available in the literature. R888H has been observed in referenced population frequency databases. In summary, there is insufficient evidence to classify NM_000287.3(PEX6):c.2663G>A(R888H) as pathogenic or benign. Please note: this variant was assessed in the context of healthy population screening.

GeneDx
Classification: Likely pathogenic. Last evaluated: 2025-06-05. Review status: criteria provided, single submitter. Criteria: GeneDx Variant Classification Process June 2021. Collection method: clinical testing. Allele origin: germline. Affected: yes.
Comment: In silico analysis supports that this missense variant has a deleterious effect on protein structure/function; Not observed at significant frequency in large population cohorts (gnomAD); This variant is associated with the following publications: (PMID: Chen2025[CaseReport], 29419819, 36649687, 19877282)

PreventionGenetics, part of Exact Sciences
Classification: Uncertain significance for PEX6-related condition. Last evaluated: 2025-05-24. Review status: criteria provided, single submitter. Criteria: ACMG Guidelines, 2015. Collection method: clinical testing. Allele origin: germline.
Comment: The PEX6 c.2663G>A variant is predicted to result in the amino acid substitution p.Arg888His. This variant has been reported in the presumed compound heterozygous state with a second PEX6 variant (c.1287del; p.Trp430Glyfs*20) in a pair of siblings with clinical features of peroxisome biogenesis disorder 4A (Zellweger syndrome) (Gagnon et al. 2023. PubMed ID: 36649687). This variant is reported in 0.064% of alleles in individuals of East Asian descent in gnomAD. An alternate missense change at the same amino acid position (p.Arg888Pro) has been reported to be heterozygous in one patient from a cohort of 75 with Zellweger Syndrome Spectrum phenotypes (Ebberink et al. 2010. PubMed ID: 19877282). Although we suspect the p.Arg888His variant may be pathogenic, the clinical significance of this variant is uncertain at this time due to the absence of conclusive functional and genetic evidence.

Johns Hopkins Genomics, Johns Hopkins University
Classification: Likely pathogenic for Peroxisome biogenesis disorder 4A (Zellweger). Last evaluated: 2023-04-21. Review status: criteria provided, single submitter. Criteria: ACMG Guidelines, 2015. Collection method: clinical testing. Allele origin: germline.
Comment: This PEX6 missense variant has been reported to occur in the compound heterozygous state in two siblings affected with Zellweger spectrum disorder6. This variant (rs267608247) is rare (<0.1%) in a large population dataset7 (gnomAD v2.1.1: 2/31402 total alleles; 0.0064%; no homozygotes) and has been reported in ClinVar (Variation ID 1683990). Of three bioinformatics tools queried, two predict that the substitution would be damaging, while one predicts that it would be tolerated. While the arginine residue at this position is evolutionarily conserved across many of the species assessed, histidine is present in a few species. We consider c.2663G>A;p.Arg888His in PEX6 to be likely pathogenic.

Wangler Lab, Baylor College of Medicine
Classification: Likely pathogenic for Peroxisome biogenesis disorder 4A (Zellweger). Last evaluated: 2023-02-10. Review status: criteria provided, single submitter. Criteria: ACMG Guidelines, 2015. Collection method: research. Allele origin: unknown. Inheritance: Autosomal recessive inheritance. Affected: yes. Observed: 1 compound heterozygote.
Comment: This missense change (c.2663G>A ,p.R888H) in PEX6 was seen in trans with c.1220C>A (p.T407N) (PM3). This variant is reported in an moderately to severely affected patient by Wangler et al. (PMID: 29419819). An alternate amino acid change at the same location is reported to be pathogenic (p.R888P) and this change is not seen in population databases of healthy individuals (PM2). We interpret this variant to be likely pathogenic.

Juno Genomics, Hangzhou Juno Genomics, Inc
Classification: Likely pathogenic for Heimler syndrome 2; Peroxisome biogenesis disorder 4A (Zellweger); Peroxisome biogenesis disorder 4B. Review status: criteria provided, single submitter. Criteria: ACMG Guidelines, 2015. Collection method: clinical testing. Allele origin: germline. Affected: yes.
Comment: Absent from controls (or at extremely low frequency if recessive) in Genome Aggregation Database.;Multiple lines of computational evidence support a deleterious effect on the gene or gene product.;Patient's phenotype or family history is highly specific for a disease with a single genetic etiology.;Located in a mutational hot spot and/or critical and well-established functional domain without benign variation.;Novel missense change at an amino acid residue where a different missense change determined to be pathogenic has been seen before.

Women's Health and Genetics/Laboratory Corporation of America, LabCorp
Classification: Uncertain significance. Last evaluated: 2023-07-28. Review status: flagged submission. Criteria: LabCorp Variant Classification Summary - May 2015. Collection method: clinical testing. Allele origin: germline. Not counted in ClinVar's aggregate classification.
Comment: Variant summary: PEX6 c.2663G>A (p.Arg888His) results in a non-conservative amino acid change in the encoded protein sequence. Another missense variant altering this residue (p.Arg888Pro) has been classified as likely pathogenic by a ClinVar submitter. Four of five in-silico tools predict a damaging effect of the variant on protein function. The variant was absent in 251478 control chromosomes (gnomAD). The available data on variant occurrences in the general population are insufficient to allow any conclusion about variant significance. c.2663G>A has been reported in the literature in an individual affected with Zellweger Syndrome who was compound heterozygous with a variant that may be pathogenic (Wangler_2018). These data suggest the variant may be associated with disease. To our knowledge, no experimental evidence demonstrating an impact on protein function has been reported. The following publication has been ascertained in the context of this evaluation (PMID: 29419819). Four submitters have cited clinical-significance assessments for this variant to ClinVar after 2014, and classified it as likely pathogenic (n=3) or uncertain significance (n=1). Based on the evidence outlined above, the variant was classified as VUS-possibly pathogenic.
ClinVar note: Reason: Claim with insufficient supporting evidence

Labcorp Genetics (formerly Invitae), Labcorp
Classification: Uncertain significance for Peroxisome biogenesis disorder. Last evaluated: 2022-05-28. Review status: flagged submission. Criteria: Invitae Variant Classification Sherloc (09022015). Collection method: clinical testing. Allele origin: germline. Not counted in ClinVar's aggregate classification.
Comment: This sequence change replaces arginine, which is basic and polar, with histidine, which is basic and polar, at codon 888 of the PEX6 protein (p.Arg888His). This variant is present in population databases (no rsID available, gnomAD 0.06%). This variant has not been reported in the literature in individuals affected with PEX6-related conditions. Algorithms developed to predict the effect of missense changes on protein structure and function output the following: SIFT: "Deleterious"; PolyPhen-2: "Benign"; Align-GVGD: "Class C0". The histidine amino acid residue is found in multiple mammalian species, which suggests that this missense change does not adversely affect protein function. Algorithms developed to predict the effect of sequence changes on RNA splicing suggest that this variant may disrupt the consensus splice site. In summary, the available evidence is currently insufficient to determine the role of this variant in disease. Therefore, it has been classified as a Variant of Uncertain Significance.
ClinVar note: Reason: Older claim that does not account for recent evidence

Literature cited by the submitters: PubMed 36649687 (cited by 3 submitters); PubMed 29419819 (cited by 3 submitters); PubMed 19877282 (cited by Johns Hopkins Genomics, Johns Hopkins University); PubMed 31374812 (cited by Johns Hopkins Genomics, Johns Hopkins University).